The following is an entry in ClinVar:

ClinVar aggregate classification (germline): Uncertain significance (1 of 4 stars; one submission).

Submission:

GeneDx
Classification: Uncertain significance. Last evaluated: 2019-06-11. Review status: criteria provided, single submitter. Criteria: GeneDx Variant Classification Process June 2021. Collection method: clinical testing. Allele origin: germline. Affected: yes.
Comment: Not observed in large population cohorts (Lek et al., 2016); In silico analysis, which includes splice predictors and evolutionary conservation, supports a deleterious effect; Has not been previously published as pathogenic or benign to our knowledge

NM_002470.4(MYH3):c.2924A>C (p.Lys975Thr)

Gene: MYH3 (myosin heavy chain 3; minus strand). Cytogenetic location: 17p13.1.
Variant type: single nucleotide variant.
Coding change: c.2924A>C on transcript NM_002470.4 (MANE Select); coding-DNA position 2924, A replaced by C.
Protein change: p.Lys975Thr; replaces lysine 975 with threonine.
Molecular consequence: missense variant.
Genome position (GRCh38, 1-based): chr17:10,639,561, T>G on the plus strand (A>C on the coding strand, the complement: MYH3 is on the minus strand). VCF-style: chr17-10639561-T-G. GRCh37 (hg19) VCF-style: chr17-10542878-T-G.
Other names: short protein forms K975T.
Identifiers: ClinVar variation 1302111 (VCV001302111.2), dbSNP rs2142398630, ClinGen allele CA398156505.